The following is an entry in ClinVar:

ClinVar aggregate classification (germline): Pathogenic (1 of 4 stars; one submission).

Conditions:
Acrocallosal syndrome (ACLS). Also called: HALLUX DUPLICATION, POSTAXIAL POLYDACTYLY, AND ABSENCE OF CORPUS CALLOSUM; Schinzel syndrome 1; Absence of corpus callosum with unusual facial appearance, mental deficiency, duplication of the halluces and polydactyly. Identifiers: Orphanet 36, MedGen C0796147, MONDO:0008708, OMIM 200990.

gnomAD v4.1: 6 of 1,594,028 alleles (0.00038%); highest among the groups gnomAD compares: South Asian, 0.0033%; no homozygotes.

Submission:

Labcorp Genetics (formerly Invitae), Labcorp
Classification: Pathogenic for Acrocallosal syndrome. Last evaluated: 2022-08-08. Review status: criteria provided, single submitter. Criteria: Invitae Variant Classification Sherloc (09022015). Collection method: clinical testing. Allele origin: germline.
Comment: For these reasons, this variant has been classified as Pathogenic. This variant has not been reported in the literature in individuals affected with KIF7-related conditions. This variant is not present in population databases (gnomAD no frequency). This sequence change creates a premature translational stop signal (p.Arg1172*) in the KIF7 gene. It is expected to result in an absent or disrupted protein product. Loss-of-function variants in KIF7 are known to be pathogenic (PMID: 19666503, 21552264, 21633164, 26648833).

Literature cited by the submitters: PubMed 19666503; PubMed 21552264; PubMed 21633164; PubMed 26648833.

NM_198525.3(KIF7):c.3514C>T (p.Arg1172Ter)

Genes: KIF7 (kinesin family member 7; minus strand), LOC126862216 (BRD4-independent group 4 enhancer GRCh37_chr15:90171995-90173194; plus strand). Cytogenetic location: 15q26.1.
Variant type: single nucleotide variant.
Coding change: c.3514C>T on transcript NM_198525.3 (MANE Select); coding-DNA position 3514, C replaced by T.
Protein change: p.Arg1172Ter; replaces arginine 1172 with a stop codon.
Molecular consequence: nonsense.
Genome position (GRCh38, 1-based): chr15:89,629,378, G>A on the plus strand (C>T on the coding strand, the complement: KIF7 is on the minus strand). VCF-style: chr15-89629378-G-A. GRCh37 (hg19) VCF-style: chr15-90172609-G-A.
Other names: short protein forms R1172*.
Identifiers: ClinVar variation 1956764 (VCV001956764.5), dbSNP rs138196132, ClinGen allele CA393754515.